The following is an entry in ClinVar:

NM_138701.4(MPLKIP):c.63_71dup (p.Gly22_Gly24dup)

Gene: MPLKIP (M-phase specific PLK1 interacting protein; minus strand). Cytogenetic location: 7p14.1.
Variant type: Duplication.
Coding change: c.63_71dup on transcript NM_138701.4 (MANE Select); coding-DNA positions 63 to 71, 9 bases duplicated (GGGTAGCGG; older notation c.63_71dupGGGTAGCGG).
Protein change: p.Gly22_Gly24dup.
Molecular consequence: inframe insertion.
Genome position (GRCh38, 1-based): chr7:40,134,497-40,134,505, CCGCTACCC duplicated on the plus strand (GGGTAGCGG on the coding strand, the reverse complement: MPLKIP is on the minus strand); duplicating any 9 consecutive bases within chr7:40,134,497-40,134,506 gives the same sequence; the c. name uses the placement nearest the transcript's 3' end. VCF-style (leftmost placement, unchanged base first): chr7-40134496-T-TCCGCTACCC. GRCh37 (hg19) VCF-style: chr7-40174095-T-TCCGCTACCC.
Identifiers: ClinVar variation 1465002 (VCV001465002.3), dbSNP rs781356195, ClinGen allele CA4229251.
Genomic context (GRCh38, chr7:40,134,496, plus strand): 5'-CCCGTCTCGAGGGGAGGGCGGCCGTGGTCCGCCCCCGCCCGGGGTTCCCCGGAAGCTGCT[T>TCCGCTACCC]CCGCTACCCCAACCTCCTCCACCCGGACCAGGGTAAGGAGGAGTTGGGGGCCGAAAATTC-3'

ClinVar aggregate classification (germline): Uncertain significance (1 of 4 stars; one submission).

Submission:

Labcorp Genetics (formerly Invitae), Labcorp
Classification: Uncertain significance. Last evaluated: 2022-04-11. Review status: criteria provided, single submitter. Criteria: Invitae Variant Classification Sherloc (09022015). Collection method: clinical testing. Allele origin: germline.
Comment: This variant, c.63_71dup, results in the insertion of 3 amino acid(s) of the MPLKIP protein (p.Gly22_Gly24dup), but otherwise preserves the integrity of the reading frame. This variant is present in population databases (rs781356195, gnomAD 0.07%). This variant has not been reported in the literature in individuals affected with MPLKIP-related conditions. Experimental studies and prediction algorithms are not available or were not evaluated, and the functional significance of this variant is currently unknown. In summary, the available evidence is currently insufficient to determine the role of this variant in disease. Therefore, it has been classified as a Variant of Uncertain Significance.